The following is an entry in ClinVar:

ClinVar aggregate classification (germline): Uncertain significance (1 of 4 stars; one submission).

Conditions:
Dyskeratosis congenita, autosomal dominant 6 (DKCA6). Identifiers: Orphanet 3322, MedGen C4225284, MONDO:0014690, OMIM 616553.

Allele frequency attached by ClinVar (database versions not stated): gnomAD exomes below 0.00001; ExAC 0.00001; gnomAD 0.00001; TOPMed 0.00002; ESP Exome Variant Server 0.00008.

Submission:

Labcorp Genetics (formerly Invitae), Labcorp
Classification: Uncertain significance for Dyskeratosis congenita, autosomal dominant 6. Last evaluated: 2024-02-24. Review status: criteria provided, single submitter. Criteria: Invitae Variant Classification Sherloc (09022015). Collection method: clinical testing. Allele origin: germline.
Comment: This sequence change replaces proline, which is neutral and non-polar, with serine, which is neutral and polar, at codon 454 of the ACD protein (p.Pro454Ser). The frequency data for this variant in the population databases is considered unreliable, as metrics indicate poor data quality at this position in the gnomAD database. This variant has not been reported in the literature in individuals affected with ACD-related conditions. ClinVar contains an entry for this variant (Variation ID: 1019574). Advanced modeling of protein sequence and biophysical properties (such as structural, functional, and spatial information, amino acid conservation, physicochemical variation, residue mobility, and thermodynamic stability) performed at Invitae indicates that this missense variant is not expected to disrupt ACD protein function with a negative predictive value of 80%. In summary, the available evidence is currently insufficient to determine the role of this variant in disease. Therefore, it has been classified as a Variant of Uncertain Significance.

NM_001082486.2(ACD):c.1102C>T (p.Pro368Ser)

Gene: ACD (ACD shelterin complex subunit and telomerase recruitment factor; minus strand). Cytogenetic location: 16q22.1.
Variant type: single nucleotide variant.
Coding change: c.1102C>T on transcript NM_001082486.2 (MANE Select); coding-DNA position 1102, C replaced by T.
Protein change: p.Pro368Ser; replaces proline 368 with serine.
Molecular consequence: missense variant.
Genome position (GRCh38, 1-based): chr16:67,658,090, G>A on the plus strand (C>T on the coding strand, the complement: ACD is on the minus strand). VCF-style: chr16-67658090-G-A. GRCh37 (hg19) VCF-style: chr16-67691993-G-A.
Other names: c.1093C>T, p.Pro365Ser (NM_022914.3); short protein forms P365S, P368S.
Identifiers: ClinVar variation 1019574 (VCV001019574.8), dbSNP rs143990276, ClinGen allele CA8114444.
Genomic context (GRCh38, chr16:67,658,090, plus strand): 5'-TGGGAAAAGGCGGCCGATTCTTGCAGGGCAACCCTACAAACTCCTTGAACTCCAGGCTAG[G>A]TTTCTGGGGCCTGGTCACAAGAGCCTGGTGTGGACTGGGGACATGGCTACGGGGTGAGAG-3'
Protein context (NP_001075955.2, residues 358-378): HQALVTRPQK[Pro368Ser]SLEFKEFVGL